The following is an entry in ClinVar:

NM_001003694.2(BRPF1):c.373G>A (p.Ala125Thr)

Gene: BRPF1 (bromodomain and PHD finger containing 1; plus strand). Cytogenetic location: 3p25.3.
Variant type: single nucleotide variant.
Coding change: c.373G>A on transcript NM_001003694.2 (MANE Select); coding-DNA position 373, G replaced by A.
Protein change: p.Ala125Thr; replaces alanine 125 with threonine.
Molecular consequence: missense variant. On other transcripts: non-coding transcript variant (1).
Genome position (GRCh38, 1-based): chr3:9,734,513, G>A. VCF-style: chr3-9734513-G-A. GRCh37 (hg19) VCF-style: chr3-9776197-G-A.
Other names: c.373G>A, p.Ala125Thr (NM_001319049.2, NM_001319050.2, NM_001410704.1 and 1 more transcripts); short protein forms A125T.
Identifiers: ClinVar variation 3026575 (VCV003026575.22), dbSNP rs2076907790, ClinGen allele CA351680041.

ClinVar aggregate classification (germline): Uncertain significance (1 of 4 stars; one submission).

Allele frequency attached by ClinVar (database versions not stated): TOPMed below 0.00001.

Submission:

CeGaT Center for Human Genetics Tuebingen
Classification: Uncertain significance. Last evaluated: 2023-12-01. Review status: criteria provided, single submitter. Criteria: CeGaT Center For Human Genetics Tuebingen Variant Classification Criteria Version 2. Collection method: clinical testing. Allele origin: germline. Affected: yes. Observed: 1 variant allele.
Comment: BRPF1: PM2, BP4